The following is an entry in ClinVar:

ClinVar aggregate classification (germline): Likely pathogenic (1 of 4 stars; one submission).

Conditions:
Autosomal recessive limb-girdle muscular dystrophy type 2J (LGMDR10). Also called: Limb-girdle muscular dystrophy, type 2J; MUSCULAR DYSTROPHY, LIMB-GIRDLE, AUTOSOMAL RECESSIVE 10. Identifiers: Orphanet 140922, MedGen C1837342, MONDO:0012127, OMIM 608807.
Dilated cardiomyopathy 1G (CMD1G). Identifiers: Orphanet 154, MedGen C1858763, MONDO:0011400, OMIM 604145.

Submission:

Labcorp Genetics (formerly Invitae), Labcorp
Classification: Likely pathogenic for Dilated cardiomyopathy 1G; Autosomal recessive limb-girdle muscular dystrophy type 2J. Last evaluated: 2025-11-24. Review status: criteria provided, single submitter. Criteria: Invitae Variant Classification Sherloc (09022015). Collection method: clinical testing. Allele origin: germline.
Comment: This sequence change creates a premature translational stop signal (p.Trp1115*) in the TTN gene. While this is not anticipated to result in nonsense mediated decay, it is expected to create a truncated TTN protein. This variant is not present in population databases (gnomAD no frequency). This variant has not been reported in the literature in individuals affected with TTN-related conditions. Algorithms developed to predict the effect of sequence changes on RNA splicing suggest that this variant may disrupt the consensus splice site. This variant is located in the Z band of TTN (PMID: 25589632). Truncating variants in this region have been reported in individuals affected with autosomal recessive centronuclear myopathy (PMID: 33449170, internal data). Truncating variants in this region have also been identified in individuals affected with autosomal dominant dilated cardiomyopathy and/or cardio-related conditions (PMID: 27869827, 32964742, internal data). In summary, the currently available evidence indicates that the variant is pathogenic, but additional data are needed to prove that conclusively. Therefore, this variant has been classified as Likely Pathogenic.

Literature cited by the submitters: PubMed 25589632; PubMed 33449170; PubMed 27869827; PubMed 32964742.

NM_001267550.2(TTN):c.3345G>A (p.Trp1115Ter)

Gene: TTN (titin; minus strand). Cytogenetic location: 2q31.2.
Variant type: single nucleotide variant.
Coding change: c.3345G>A on transcript NM_001267550.2 (MANE Select); coding-DNA position 3345, G replaced by A.
Protein change: p.Trp1115Ter; replaces tryptophan 1115 with a stop codon.
Molecular consequence: nonsense.
Genome position (GRCh38, 1-based): chr2:178,782,247, C>T on the plus strand (G>A on the coding strand, the complement: TTN is on the minus strand). VCF-style: chr2-178782247-C-T. GRCh37 (hg19) VCF-style: chr2-179646974-C-T.
Other names: c.3345G>A, p.Trp1115Ter (NM_001256850.1, NM_133378.4, NM_133379.5); c.3207G>A, p.Trp1069Ter (NM_003319.4, NM_133432.3, NM_133437.4); short protein forms W1069*, W1115*.
Identifiers: ClinVar variation 4786797 (VCV004786797.1).
Genomic context (GRCh38, chr2:178,782,247, plus strand): 5'-ACTCTATATTCAGCCATCAAAATACCTGTATCCAGTGGTTAGAGGAACACCAGATTTTTT[C>T]CAGTATACATGGGGCTTTGGGTTGCCGCCAACTTGGCATCCAAACACCACGCTCCCACCT-3'